The following is an entry in ClinVar:

ClinVar aggregate classification (germline): Uncertain significance (1 of 4 stars; one submission).

Conditions:
Peroxisome biogenesis disorder 7A (Zellweger). Also called: Peroxisome biogenesis disorder 7A. Identifiers: Orphanet 912, MedGen C3888385, MONDO:0013938, OMIM 614872.
Peroxisome biogenesis disorder 7B (PBD7B). Identifiers: Orphanet 44, MedGen C3553951, MONDO:0013939, OMIM 614873.

Submission:

Labcorp Genetics (formerly Invitae), Labcorp
Classification: Uncertain significance for Peroxisome biogenesis disorder 7A (Zellweger); Peroxisome biogenesis disorder 7B. Last evaluated: 2025-02-24. Review status: criteria provided, single submitter. Criteria: Invitae Variant Classification Sherloc (09022015). Collection method: clinical testing. Allele origin: germline.
Comment: This sequence change replaces lysine, which is basic and polar, with methionine, which is neutral and non-polar, at codon 254 of the PEX26 protein (p.Lys254Met). This variant is not present in population databases (gnomAD no frequency). This variant has not been reported in the literature in individuals affected with PEX26-related conditions. ClinVar contains an entry for this variant (Variation ID: 1357251). Invitae Evidence Modeling of protein sequence and biophysical properties (such as structural, functional, and spatial information, amino acid conservation, physicochemical variation, residue mobility, and thermodynamic stability) has been performed for this missense variant. However, the output from this modeling did not meet the statistical confidence thresholds required to predict the impact of this variant on PEX26 protein function. In summary, the available evidence is currently insufficient to determine the role of this variant in disease. Therefore, it has been classified as a Variant of Uncertain Significance.

NM_001127649.3(PEX26):c.761A>T (p.Lys254Met)

Gene: PEX26 (peroxisomal biogenesis factor 26; plus strand). Cytogenetic location: 22q11.21.
Variant type: single nucleotide variant.
Coding change: c.761A>T on transcript NM_001127649.3 (MANE Select); coding-DNA position 761, A replaced by T.
Protein change: p.Lys254Met; replaces lysine 254 with methionine.
Molecular consequence: missense variant. On other transcripts: intron variant (1).
Genome position (GRCh38, 1-based): chr22:18,085,205, A>T. VCF-style: chr22-18085205-A-T. GRCh37 (hg19) VCF-style: chr22-18567971-A-T.
Other names: c.761A>T, p.Lys254Met (NM_017929.6); c.667+1473A>T (NM_001199319.2); short protein forms K254M.
Identifiers: ClinVar variation 1357251 (VCV001357251.5), dbSNP rs2123657617, ClinGen allele CA410268655.
Genomic context (GRCh38, chr22:18,085,205, plus strand): 5'-TGTTGGTTCGCCAGCTTTGGGACTCTGCGGTGAGCCACTTCTTTTCTCTGCCCTTCAAAA[A>T]GAGTCTCCTGGCTGCCTTGATCCTCTGTCTCCTGGTGGTGAGATTTGATCCAGGTAAGAG-3'
Protein context (NP_001121121.1, residues 244-264): VSHFFSLPFK[Lys254Met]SLLAALILCL